The following is an entry in ClinVar:

ClinVar aggregate classification (germline): Uncertain significance. Review status: criteria provided, multiple submitters, no conflicts (2 of 4 stars). 2 submissions from 2 submitters: Uncertain significance (2). Last evaluated 2026-01-21.

Conditions:
Epidermolysis bullosa simplex, Ogna type (EBS5A). Also called: Pidermolysis bullosa simplex 5A, Ogna type; EPIDERMOLYSIS BULLOSA SIMPLEX 5A, OGNA TYPE. Identifiers: Orphanet 79401, MedGen C0432317, MONDO:0007555, OMIM 131950.
Epidermolysis bullosa simplex with nail dystrophy (EBS5D). Identifiers: MedGen C4225309, MONDO:0014661, OMIM 616487.
Epidermolysis bullosa simplex 5C, with pyloric atresia (EBS5C). Also called: PLEC-Related Epidermolysis Bullosa with Pyloric Atresia; Epidermolysis bullosa simplex with pyloric atresia; PLEC1-Related Epidermolysis Bullosa with Pyloric Atresia. Identifiers: Orphanet 158684, MedGen C2677349, MONDO:0012807, OMIM 612138.
Autosomal recessive limb-girdle muscular dystrophy type 2Q (LGMDR17). Also called: MUSCULAR DYSTROPHY, LIMB-GIRDLE, AUTOSOMAL RECESSIVE 17. Identifiers: Orphanet 254361, MedGen C3150989, MONDO:0013390, OMIM 613723.
Epidermolysis bullosa simplex 5B, with muscular dystrophy (EBS5B). Also called: EPIDERMOLYSIS BULLOSA SIMPLEX AND LIMB-GIRDLE MUSCULAR DYSTROPHY; Epidermolysis bullosa simplex with muscular dystrophy. Identifiers: Orphanet 257, MedGen C2931072, MONDO:0009181, OMIM 226670.
Inborn genetic diseases. Identifiers: MedGen C0950123, MeSH D030342.

Allele frequency attached by ClinVar (database versions not stated): gnomAD exomes below 0.00001 and 0.00001.
gnomAD v4.1: 1 of 1,543,960 alleles (0.000065%); highest among the groups gnomAD compares: Admixed American, 0.002%; no homozygotes.

Submissions (2):

Ambry Genetics
Classification: Uncertain significance for Inborn genetic diseases. Last evaluated: 2026-01-21. Review status: criteria provided, single submitter. Criteria: Ambry Variant Classification Scheme 2023. Collection method: clinical testing. Allele origin: germline.

Labcorp Genetics (formerly Invitae), Labcorp
Classification: Uncertain significance for Autosomal recessive limb-girdle muscular dystrophy type 2Q; Epidermolysis bullosa simplex, Ogna type; Epidermolysis bullosa simplex with nail dystrophy; Epidermolysis bullosa simplex 5C, with pyloric atresia; Epidermolysis bullosa simplex 5B, with muscular dystrophy. Last evaluated: 2022-07-19. Review status: criteria provided, single submitter. Criteria: Invitae Variant Classification Sherloc (09022015). Collection method: clinical testing. Allele origin: germline.
Comment: In summary, the available evidence is currently insufficient to determine the role of this variant in disease. Therefore, it has been classified as a Variant of Uncertain Significance. Algorithms developed to predict the effect of sequence changes on RNA splicing suggest that this variant may create or strengthen a splice site. Algorithms developed to predict the effect of missense changes on protein structure and function are either unavailable or do not agree on the potential impact of this missense change (SIFT: "Deleterious"; PolyPhen-2: "Not Available"; Align-GVGD: "Class C0"). ClinVar contains an entry for this variant (Variation ID: 1432857). This variant has not been reported in the literature in individuals affected with PLEC-related conditions. The frequency data for this variant in the population databases is considered unreliable, as metrics indicate poor data quality at this position in the gnomAD database. This sequence change replaces glycine, which is neutral and non-polar, with valine, which is neutral and non-polar, at codon 4567 of the PLEC protein (p.Gly4567Val).

NM_201384.3(PLEC):c.13619G>T (p.Gly4540Val)

Gene: PLEC (plectin; minus strand). Cytogenetic location: 8q24.3.
Variant type: single nucleotide variant.
Coding change: c.13619G>T on transcript NM_201384.3 (MANE Select); coding-DNA position 13619, G replaced by T.
Protein change: p.Gly4540Val; replaces glycine 4540 with valine.
Molecular consequence: missense variant.
Genome position (GRCh38, 1-based): chr8:143,916,202, C>A on the plus strand (G>T on the coding strand, the complement: PLEC is on the minus strand). VCF-style: chr8-143916202-C-A. GRCh37 (hg19) VCF-style: chr8-144990370-C-A.
Other names: c.13700G>T, p.Gly4567Val (NM_000445.5); c.13577G>T, p.Gly4526Val (NM_201378.4); c.13553G>T, p.Gly4518Val (NM_201379.3); c.14030G>T, p.Gly4677Val (NM_201380.4); c.13523G>T, p.Gly4508Val (NM_201381.3); c.13619G>T, p.Gly4540Val (NM_201382.4); c.13631G>T, p.Gly4544Val (NM_201383.3); c.13700G>T (NM_000445.3); short protein forms G4518V, G4677V, G4544V, G4508V, G4526V, G4540V, G4567V.
Identifiers: ClinVar variation 1432857 (VCV001432857.7), dbSNP rs1554668242, ClinGen allele CA372473314.
Genomic context (GRCh38, chr8:143,916,202, plus strand): 5'-GGGCCGCATGCAGAGCGGGGTGGGCGCAGGCAGCCTCAGGCCACGGCAGACTCAGGGCCC[C>A]CCAGGGAGGCCGAGGACCCCGAGGCGTAGCGGCGGCCGTAGCCCGAGGAGGAGTAGGAGG-3'
Protein context (NP_958786.1, residues 4530-4547): RYASGSSASL[Gly4540Val]GPESAVA